The following is an entry in ClinVar:

NM_000059.4(BRCA2):c.1922C>T (p.Ser641Phe)

Gene: BRCA2 (BRCA2 DNA repair associated; plus strand). Cytogenetic location: 13q13.1.
Variant type: single nucleotide variant.
Coding change: c.1922C>T on transcript NM_000059.4 (MANE Select); coding-DNA position 1922, C replaced by T.
Protein change: p.Ser641Phe; replaces serine 641 with phenylalanine.
Molecular consequence: missense variant.
Genome position (GRCh38, 1-based): chr13:32,336,277, C>T. VCF-style: chr13-32336277-C-T. GRCh37 (hg19) VCF-style: chr13-32910414-C-T.
Other names: short protein forms S641F.
Identifiers: ClinVar variation 185669 (VCV000185669.18), dbSNP rs786202360, ClinGen allele CA013934.

ClinVar aggregate classification (germline): Conflicting classifications of pathogenicity. Review status: criteria provided, conflicting classifications (1 of 4 stars). 5 submissions from 5 submitters: Uncertain significance (4); Likely benign (1). Last evaluated 2024-10-14.

Conditions:
Hereditary breast ovarian cancer syndrome. Also called: Hereditary breast and ovarian cancer; Hereditary breast and ovarian cancer syndrome; Breast and ovarian cancer; Hereditary breast and ovarian cancer syndrome (HBOC); Hereditary breast and/or ovarian cancer syndrome; BRCA1- and BRCA2-Associated Hereditary Breast and Ovarian Cancer. Identifiers: Orphanet 145, MedGen C0677776, MeSH D061325, MONDO:0003582. Disease mechanism: loss of function.
Hereditary cancer-predisposing syndrome. Also called: Hereditary Cancer Syndrome; Neoplastic Syndromes, Hereditary; Tumor predisposition; Hereditary neoplastic syndrome. Identifiers: Orphanet 140162, MedGen C0027672, MeSH D009386, MONDO:0015356.
Breast-ovarian cancer, familial, susceptibility to, 2 (BROVCA2). Also called: BRCA2 Hereditary Breast and Ovarian Cancer. Identifiers: Orphanet 145, MedGen C2675520, MONDO:0012933, OMIM 612555. Disease mechanism: loss of function.

gnomAD v4.1: 1 of 1,602,848 alleles (0.000062%); no homozygotes.

Submissions (5):

Ambry Genetics
Classification: Uncertain significance for Hereditary cancer-predisposing syndrome. Last evaluated: 2024-10-14. Review status: criteria provided, single submitter. Criteria: Ambry Variant Classification Scheme 2023. Collection method: clinical testing. Allele origin: germline.
Comment: The p.S641F variant (also known as c.1922C>T), located in coding exon 10 of the BRCA2 gene, results from a C to T substitution at nucleotide position 1922. The serine at codon 641 is replaced by phenylalanine, an amino acid with highly dissimilar properties. This variant has been reported in two individuals diagnosed with early onset breast cancer (De Silva S et al. Fam Cancer. 2017 07;16:329-338). This amino acid position is well conserved in available vertebrate species. In addition, this alteration is predicted to be tolerated by in silico analysis. Based on the available evidence, the clinical significance of this variant remains unclear.

Labcorp Genetics (formerly Invitae), Labcorp
Classification: Uncertain significance for Hereditary breast ovarian cancer syndrome. Last evaluated: 2024-03-27. Review status: criteria provided, single submitter. Criteria: Invitae Variant Classification Sherloc (09022015). Collection method: clinical testing. Allele origin: germline.
Comment: This sequence change replaces serine, which is neutral and polar, with phenylalanine, which is neutral and non-polar, at codon 641 of the BRCA2 protein (p.Ser641Phe). This variant is not present in population databases (gnomAD no frequency). This missense change has been observed in individual(s) with breast cancer (PMID: 28039656). ClinVar contains an entry for this variant (Variation ID: 185669). Advanced modeling of protein sequence and biophysical properties (such as structural, functional, and spatial information, amino acid conservation, physicochemical variation, residue mobility, and thermodynamic stability) performed at Invitae indicates that this missense variant is not expected to disrupt BRCA2 protein function with a negative predictive value of 95%. In summary, the available evidence is currently insufficient to determine the role of this variant in disease. Therefore, it has been classified as a Variant of Uncertain Significance.

All of Us Research Program, National Institutes of Health
Classification: Uncertain significance for Breast-ovarian cancer, familial, susceptibility to, 2. Last evaluated: 2023-04-27. Review status: criteria provided, single submitter. Criteria: ACMG Guidelines, 2015. Collection method: clinical testing. Allele origin: germline. Inheritance: Autosomal dominant inheritance. Observed: 1 variant allele, 1 heterozygote.
Comment: This study involves interpretation of variants in research participants for the purpose of population health screening. Participant phenotype was not available at the time of variant classification. Additional details can be found in publication PMID: 35346344, PMCID: PMC8962531

University of Washington Department of Laboratory Medicine, University of Washington
Classification: Likely benign for Hereditary cancer-predisposing syndrome. Last evaluated: 2023-03-23. Review status: criteria provided, single submitter. Criteria: Dines et al. (Genet Med. 2020). Collection method: curation. Allele origin: germline.
Comment: Missense variant in a coldspot region where missense variants are very unlikely to be pathogenic (PMID:31911673).

BRCA2 exon 11 coldspot. Reclassification based on statistical prior probability.

GeneDx
Classification: Uncertain significance. Last evaluated: 2022-11-30. Review status: criteria provided, single submitter. Criteria: GeneDx Variant Classification Process June 2021. Collection method: clinical testing. Allele origin: germline. Affected: yes.
Comment: Observed in individuals with a personal and/or family history of early onset breast cancer (De Silva et al., 2016); Not observed at significant frequency in large population cohorts (gnomAD); In silico analysis supports that this missense variant does not alter protein structure/function; Also known as 2150C>T; This variant is associated with the following publications: (PMID: 32377563, 29884841, 31853058, 28039656, 31911673)

Literature cited by the submitters: PubMed 28039656 (cited by Ambry Genetics and Labcorp Genetics (formerly Invitae), Labcorp).